The following is an entry in ClinVar:

ClinVar aggregate classification (germline): Uncertain significance (1 of 4 stars; one submission).

Conditions:
Hereditary cancer-predisposing syndrome. Also called: Neoplastic Syndromes, Hereditary; Tumor predisposition; Hereditary Cancer Syndrome; Hereditary neoplastic syndrome. Identifiers: Orphanet 140162, MedGen C0027672, MeSH D009386, MONDO:0015356.

Submission:

Ambry Genetics
Classification: Uncertain significance for Hereditary cancer-predisposing syndrome. Last evaluated: 2015-06-02. Review status: criteria provided, single submitter. Criteria: Ambry Variant Classification Scheme 2023. Collection method: clinical testing. Allele origin: germline.
Comment: The c.3619-3C>T intronic variant results from a C to T substitution 3 nucleotides upstream from coding exon 24 in the RAD50 gene. This variant was not reported in population based cohorts in the following databases: Database of Single Nucleotide Polymorphisms (dbSNP), NHLBI Exome Sequencing Project (ESP), and 1000 Genomes Project. In the ESP, this variant was not observed in 6503 samples (13006 alleles) with coverage at this position. To date, this alteration has been detected with an allele frequency of approximately 0.002% (greater than 65000 alleles tested) in our clinical cohort. This nucleotide position is not well conserved in available vertebrate species. This alteration is predicted by ESEfinder to weaken the efficacy of the native splice acceptor site, but is not predicted to have a deleterious effect on this native site by BDGP; however, direct evidence is unavailable. Since supporting evidence is limited at this time, the clinical significance of c.3619-3C>T remains unclear.

NM_005732.4(RAD50):c.3619-3C>T

Genes: TH2LCRR (T helper type 2 locus control region associated RNA; minus strand), TH2-LCR (Th2 cytokine locus control region; plus strand), RAD50 (RAD50 double strand break repair protein; plus strand). Cytogenetic location: 5q31.1.
Variant type: single nucleotide variant.
Coding change: c.3619-3C>T on transcript NM_005732.4 (MANE Select); 3 bases into the intron before coding-DNA position 3619, C replaced by T.
Molecular consequence: intron variant.
Genome position (GRCh38, 1-based): chr5:132,640,669, C>T. VCF-style: chr5-132640669-C-T. GRCh37 (hg19) VCF-style: chr5-131976361-C-T.
Identifiers: ClinVar variation 232046 (VCV000232046.5), dbSNP rs876659518, ClinGen allele CA10578610.